The following is an entry in ClinVar:

ClinVar aggregate classification (germline): Pathogenic (1 of 4 stars; one submission).

Conditions:
Developmental and epileptic encephalopathy, 11 (DEE11). Also called: Early infantile epileptic encephalopathy 11. Identifiers: Orphanet 1934, MedGen C3150987, MONDO:0013388, OMIM 613721.

Submission:

Victorian Clinical Genetics Services, Murdoch Childrens Research Institute
Classification: Pathogenic for Developmental and epileptic encephalopathy, 11. Last evaluated: 2022-02-02. Review status: criteria provided, single submitter. Criteria: ACMG Guidelines, 2015. Collection method: clinical testing. Allele origin: germline. Inheritance: Autosomal dominant inheritance. Affected: yes.
Comment: Based on the classification scheme VCGS_Germline_v1.3.4, this variant is classified as Pathogenic. Following criteria are met: 0103 - Loss of function and gain of function are known mechanisms of disease in this gene and are associated with SCN2A-related disorders. Variants causing a gain of function result in either developmental and epileptic encephalopathy 11 (MIM#613721) or benign familial infantile seizures 3 (MIM#607745), whereas variants displaying a loss of function cause autism spectrum disorder and/or intellectual disability, with or without childhood-onset seizures; the functional consequence of truncating variants is unknown (OMIM, PMID: 29691040). (I) 0107 - This gene is associated with autosomal dominant disease. (I) 0201 - Variant is predicted to cause nonsense-mediated decay (NMD) and loss of protein (premature termination codon is located at least 54 nucleotides upstream of the final exon-exon junction). (SP) 0251 - This variant is heterozygous. (I) 0301 - Variant is absent from gnomAD (both v2 and v3). (SP) 0701 - Other NMD predicted variants comparable to the one identified in this case have very strong previous evidence for pathogenicity (DECIPHER). (SP) 0807 - This variant has no previous evidence of pathogenicity. (I) 0905 - No published segregation evidence has been identified for this variant. (I) 1007 - No published functional evidence has been identified for this variant. (SP) Legend: (SP) - Supporting pathogenic, (I) - Information, (SB) - Supporting benign

Literature cited by the submitters: PubMed 29691040.

NM_001040142.2(SCN2A):c.1318G>T (p.Glu440Ter)

Gene: SCN2A (sodium voltage-gated channel alpha subunit 2; plus strand). Cytogenetic location: 2q24.3.
Variant type: single nucleotide variant.
Coding change: c.1318G>T on transcript NM_001040142.2 (MANE Select); coding-DNA position 1318, G replaced by T.
Protein change: p.Glu440Ter; replaces glutamic acid 440 with a stop codon.
Molecular consequence: nonsense.
Genome position (GRCh38, 1-based): chr2:165,314,043, G>T. VCF-style: chr2-165314043-G-T. GRCh37 (hg19) VCF-style: chr2-166170553-G-T.
Other names: c.1318G>T, p.Glu440Ter (NM_001040143.2, NM_001371246.1, NM_001371247.1 and 1 more transcripts); short protein forms E440*.
Identifiers: ClinVar variation 1805275 (VCV001805275.1), dbSNP rs1553569023, ClinGen allele CA349022362.